The following is an entry in ClinVar:

NM_023110.3(FGFR1):c.2431C>A (p.Pro811Thr)

Gene: FGFR1 (fibroblast growth factor receptor 1; minus strand). Cytogenetic location: 8p11.23.
Variant type: single nucleotide variant.
Coding change: c.2431C>A on transcript NM_023110.3 (MANE Select); coding-DNA position 2431, C replaced by A.
Protein change: p.Pro811Thr; replaces proline 811 with threonine.
Molecular consequence: missense variant. On other transcripts: intron variant (3).
Genome position (GRCh38, 1-based): chr8:38,413,666, G>T on the plus strand (C>A on the coding strand, the complement: FGFR1 is on the minus strand). VCF-style: chr8-38413666-G-T. GRCh37 (hg19) VCF-style: chr8-38271184-G-T.
Other names: c.2425C>A, p.Pro809Thr (NM_001174063.2, NM_001174065.2, NM_015850.4); c.2401C>A, p.Pro801Thr (NM_001174064.2); c.2164C>A, p.Pro722Thr (NM_001174066.2, NM_023105.3); c.2524C>A, p.Pro842Thr (NM_001174067.2); c.2152C>A, p.Pro718Thr (NM_001354368.2); c.2419C>A, p.Pro807Thr (NM_001410922.1); c.2158C>A, p.Pro720Thr (NM_023106.3); c.2019+252C>A (NM_001354370.2); and 2 more; short protein forms P720T, P807T, P722T, P801T, P809T, P811T, P842T, P718T.
Identifiers: ClinVar variation 4789774 (VCV004789774.1).
Genomic context (GRCh38, chr8:38,413,666, plus strand): 5'-GGGGAGGGCGTGTGGGTGGCAGTCAGCGGCGTTTGAGTCCGCCATTGGCAAGCTGGGCTG[G>T]GTGTCGGGGCAGGCAGGGCTCCTCGGGCAGCGGCTCATGAGAGAAGACGGAATCCTCCCC-3'
Protein context (NP_075598.2, residues 801-821): LPEEPCLPRH[Pro811Thr]AQLANGGLKR

ClinVar aggregate classification (germline): Uncertain significance (1 of 4 stars; one submission).

Conditions:
Hypogonadotropic hypogonadism 2 with or without anosmia (HH2). Also called: HYPOGONADOTROPIC HYPOGONADISM 2 WITHOUT ANOSMIA; FGFR1-Related GnRH Deficiency (Kallmann Syndrome 2); HYPOGONADOTROPIC HYPOGONADISM 2 WITH OR WITHOUT ANOSMIA, SUSCEPTIBILITY TO; HYPOGONADOTROPIC HYPOGONADISM 2 WITHOUT ANOSMIA, SUSCEPTIBILITY TO. Identifiers: Orphanet 478, MedGen C1563720, MONDO:0007844, OMIM 147950. Disease mechanism: loss of function.
Pfeiffer syndrome (ACS5). Also called: ACS V. Identifiers: Orphanet 710, MedGen C0220658, MONDO:0007043, OMIM 101600.

Submission:

Labcorp Genetics (formerly Invitae), Labcorp
Classification: Uncertain significance for Pfeiffer syndrome; Hypogonadotropic hypogonadism 2 with or without anosmia. Last evaluated: 2025-02-25. Review status: criteria provided, single submitter. Criteria: Invitae Variant Classification Sherloc (09022015). Collection method: clinical testing. Allele origin: germline.
Comment: This sequence change replaces proline, which is neutral and non-polar, with threonine, which is neutral and polar, at codon 811 of the FGFR1 protein (p.Pro811Thr). This variant is not present in population databases (gnomAD no frequency). This variant has not been reported in the literature in individuals affected with FGFR1-related conditions. Invitae Evidence Modeling of protein sequence and biophysical properties (such as structural, functional, and spatial information, amino acid conservation, physicochemical variation, residue mobility, and thermodynamic stability) indicates that this missense variant is not expected to disrupt FGFR1 protein function with a negative predictive value of 80%. In summary, the available evidence is currently insufficient to determine the role of this variant in disease. Therefore, it has been classified as a Variant of Uncertain Significance.